The following is an entry in ClinVar:

NM_005228.5(EGFR):c.1423A>G (p.Ile475Val)

Gene: EGFR (epidermal growth factor receptor; plus strand). Cytogenetic location: 7p11.2.
Variant type: single nucleotide variant.
Coding change: c.1423A>G on transcript NM_005228.5 (MANE Select); coding-DNA position 1423, A replaced by G.
Protein change: p.Ile475Val; replaces isoleucine 475 with valine.
Molecular consequence: missense variant.
Genome position (GRCh38, 1-based): chr7:55,160,263, A>G. VCF-style: chr7-55160263-A-G. GRCh37 (hg19) VCF-style: chr7-55227956-A-G.
Other names: c.1288A>G, p.Ile430Val (NM_001346897.2, NM_001346899.2); c.1423A>G, p.Ile475Val (NM_001346898.2, NM_201282.2, NM_201284.2); c.1264A>G, p.Ile422Val (NM_001346900.2); c.622A>G, p.Ile208Val (NM_001346941.2); c.1423A>G (NM_005228.3); short protein forms I208V, I422V, I430V, I475V.
Identifiers: ClinVar variation 1054503 (VCV001054503.10), dbSNP rs1221992080, ClinGen allele CA367579576.

ClinVar aggregate classification (germline): Uncertain significance. Review status: criteria provided, multiple submitters, no conflicts (2 of 4 stars). 2 submissions from 2 submitters: Uncertain significance (2). Last evaluated 2025-04-06.

Conditions:
EGFR-related lung cancer (EGFR). Identifiers: MedGen CN130014.
Hereditary cancer-predisposing syndrome. Also called: Hereditary Cancer Syndrome; Tumor predisposition; Hereditary neoplastic syndrome; Neoplastic Syndromes, Hereditary. Identifiers: Orphanet 140162, MedGen C0027672, MeSH D009386, MONDO:0015356.

Allele frequency attached by ClinVar (database versions not stated): gnomAD exomes below 0.00001; gnomAD 0.00001; TOPMed 0.00001.
gnomAD v4.1: 2 of 1,614,012 alleles (0.00012%); highest among the groups gnomAD compares: Non-Finnish European, 0.00017%; no homozygotes.

Submissions (2):

Ambry Genetics
Classification: Uncertain significance for Hereditary cancer-predisposing syndrome. Last evaluated: 2025-04-06. Review status: criteria provided, single submitter. Criteria: Ambry Variant Classification Scheme 2023. Collection method: clinical testing. Allele origin: germline.
Comment: The p.I475V variant (also known as c.1423A>G), located in coding exon 12 of the EGFR gene, results from an A to G substitution at nucleotide position 1423. The isoleucine at codon 475 is replaced by valine, an amino acid with highly similar properties. This amino acid position is conserved. In addition, this alteration is predicted to be tolerated by in silico analysis. Based on the available evidence, the clinical significance of this variant remains unclear.

Labcorp Genetics (formerly Invitae), Labcorp
Classification: Uncertain significance for EGFR-related lung cancer. Last evaluated: 2024-07-30. Review status: criteria provided, single submitter. Criteria: Invitae Variant Classification Sherloc (09022015). Collection method: clinical testing. Allele origin: germline.
Comment: This sequence change replaces isoleucine, which is neutral and non-polar, with valine, which is neutral and non-polar, at codon 475 of the EGFR protein (p.Ile475Val). This variant is not present in population databases (gnomAD no frequency). This variant has not been reported in the literature in individuals affected with EGFR-related conditions. ClinVar contains an entry for this variant (Variation ID: 1054503). Advanced modeling of protein sequence and biophysical properties (such as structural, functional, and spatial information, amino acid conservation, physicochemical variation, residue mobility, and thermodynamic stability) performed at Invitae indicates that this missense variant is not expected to disrupt EGFR protein function with a negative predictive value of 80%. In summary, the available evidence is currently insufficient to determine the role of this variant in disease. Therefore, it has been classified as a Variant of Uncertain Significance.